The following is an entry in ClinVar:

ClinVar aggregate classification (germline): Pathogenic (1 of 4 stars; one submission).

Submission:

GeneDx
Classification: Pathogenic. Last evaluated: 2024-04-11. Review status: criteria provided, single submitter. Criteria: GeneDx Variant Classification Process June 2021. Collection method: clinical testing. Allele origin: germline. Affected: yes.
Comment: Not observed at significant frequency in large population cohorts (gnomAD); In silico analysis supports that this missense variant has a deleterious effect on protein structure/function; This variant is associated with the following publications: (PMID: 33057194, 35982159, 32170002, 35904121, 34906459)

NM_003070.5(SMARCA2):c.3464A>C (p.Gln1155Pro)

Gene: SMARCA2 (SWI/SNF related BAF chromatin remodeling complex subunit ATPase 2; plus strand). Cytogenetic location: 9p24.3.
Variant type: single nucleotide variant.
Coding change: c.3464A>C on transcript NM_003070.5 (MANE Select); coding-DNA position 3464, A replaced by C.
Protein change: p.Gln1155Pro; replaces glutamine 1155 with proline.
Molecular consequence: missense variant.
Genome position (GRCh38, 1-based): chr9:2,115,829, A>C. VCF-style: chr9-2115829-A-C. GRCh37 (hg19) VCF-style: chr9-2115829-A-C.
Other names: c.3464A>C, p.Gln1155Pro (NM_001289396.2, NM_139045.4); c.3290A>C, p.Gln1097Pro (NM_001289397.2); short protein forms Q1155P, Q1097P.
Identifiers: ClinVar variation 419659 (VCV000419659.3), dbSNP rs1064794024, ClinGen allele CA16618823.